The following is an entry in ClinVar:

ClinVar aggregate classification (germline): Likely benign (1 of 4 stars; one submission).

Allele frequency attached by ClinVar (database versions not stated): gnomAD exomes 0.00030; ExAC 0.00095; 1000 Genomes Project 0.00180; 1000 Genomes Project 30x 0.00203; gnomAD 0.00282; ESP Exome Variant Server 0.00346; TOPMed 0.00350.
gnomAD v4.1: 895 of 1,613,610 alleles (0.055%); highest among the groups gnomAD compares: African/African-American, 1.1%; 3 homozygotes.

Submission:

GeneDx
Classification: Likely benign. Last evaluated: 2021-12-31. Review status: criteria provided, single submitter. Criteria: GeneDx Variant Classification Process June 2021. Collection method: clinical testing. Allele origin: germline. Affected: yes.
Comment: See Variant Classification Assertion Criteria.

NM_019032.6(ADAMTSL4):c.2944-31A>C

Gene: ADAMTSL4 (ADAMTS like 4; plus strand). Cytogenetic location: 1q21.2.
Variant type: single nucleotide variant.
Coding change: c.2944-31A>C on transcript NM_019032.6 (MANE Select); 31 bases into the intron before coding-DNA position 2944, A replaced by C.
Molecular consequence: intron variant.
Genome position (GRCh38, 1-based): chr1:150,559,730, A>C. VCF-style: chr1-150559730-A-C. GRCh37 (hg19) VCF-style: chr1-150532206-A-C.
Other names: c.3013-31A>C (NM_001288608.2); c.2827-31A>C (NM_001288607.2); c.2944-31A>C (NM_001378596.1).
Identifiers: ClinVar variation 1706927 (VCV001706927.2), dbSNP rs201238986, ClinGen allele CA1078897.